The following is an entry in ClinVar:

ClinVar aggregate classification (germline): Pathogenic (1 of 4 stars; one submission).

Submission:

Baylor Genetics
Classification: Pathogenic. Last evaluated: 2018-11-01. Review status: criteria provided, single submitter. Criteria: ACMG CNV Guidelines, 2011. Collection method: clinical testing. Allele origin: maternal. Affected: yes. Observed: 1 variant allele.
Comment: This 16p13.11 microduplication is associated with varied clinical features including behavioral abnormalities, cognitive impairment, congenital heart defects and skeletal manifestations [PMID:21150890]

GRCh37/hg19 16p13.11(chr16:15126709-16292235)

Genes: ABCC1 (ATP binding cassette subfamily C member 1 (ABCC1 blood group); plus strand), ABCC6 (ATP binding cassette subfamily C member 6; minus strand), BMERB1 (bMERB domain containing 1; plus strand), CEP20 (centrosomal protein 20; minus strand), MARF1 (meiosis regulator and mRNA stability factor 1; minus strand) and 7 more. Cytogenetic location: 16p13.11.
Variant type: copy number gain.
Identifiers: ClinVar variation 625755 (VCV000625755.1).